The following is an entry in ClinVar:

NM_000081.4(LYST):c.11002G>T (p.Glu3668Ter)

Gene: LYST (lysosomal trafficking regulator; minus strand). Cytogenetic location: 1q42.3.
Variant type: single nucleotide variant.
Coding change: c.11002G>T on transcript NM_000081.4 (MANE Select); coding-DNA position 11002, G replaced by T.
Protein change: p.Glu3668Ter; replaces glutamic acid 3668 with a stop codon.
Molecular consequence: nonsense.
Genome position (GRCh38, 1-based): chr1:235,677,127, C>A on the plus strand (G>T on the coding strand, the complement: LYST is on the minus strand). VCF-style: chr1-235677127-C-A. GRCh37 (hg19) VCF-style: chr1-235840427-C-A.
Other names: c.11002G>T, p.Glu3668Ter (NM_001301365.1); short protein forms E3668*.
Identifiers: ClinVar variation 1323258 (VCV001323258.11), dbSNP rs1444318368, ClinGen allele CA344921193.

ClinVar aggregate classification (germline): Pathogenic. Review status: criteria provided, multiple submitters, no conflicts (2 of 4 stars). 3 submissions from 3 submitters: Pathogenic (3). Last evaluated 2025-05-07.

Conditions:
Chédiak-Higashi syndrome (CHS). Also called: Chediak-Higashi Syndrome. Identifiers: Orphanet 167, MedGen C0007965, MONDO:0008963, OMIM 214500.

Allele frequency attached by ClinVar (database versions not stated): gnomAD exomes below 0.00001; gnomAD 0.00001; TOPMed 0.00001.
gnomAD v4.1: 6 of 1,613,924 alleles (0.00037%); highest among the groups gnomAD compares: Non-Finnish European, 0.00051%; no homozygotes.

Submissions (3):

Labcorp Genetics (formerly Invitae), Labcorp
Classification: Pathogenic for Chédiak-Higashi syndrome. Last evaluated: 2025-05-07. Review status: criteria provided, single submitter. Criteria: Invitae Variant Classification Sherloc (09022015). Collection method: clinical testing. Allele origin: germline.
Comment: This sequence change creates a premature translational stop signal (p.Glu3668*) in the LYST gene. It is expected to result in an absent or disrupted protein product. Loss-of-function variants in LYST are known to be pathogenic (PMID: 9215679, 11857544). This variant is not present in population databases (gnomAD no frequency). This premature translational stop signal has been observed in individual(s) with Chediak-Higashi syndrome (PMID: 20368792). ClinVar contains an entry for this variant (Variation ID: 1323258). For these reasons, this variant has been classified as Pathogenic.

Revvity Omics, Revvity
Classification: Pathogenic for Chédiak-Higashi syndrome. Last evaluated: 2024-08-29. Review status: criteria provided, single submitter. Criteria: ACMG Guidelines, 2015. Collection method: clinical testing. Allele origin: germline.

Fulgent Genetics
Classification: Pathogenic for Chédiak-Higashi syndrome. Last evaluated: 2024-06-19. Review status: criteria provided, single submitter. Criteria: ACMG Guidelines, 2015. Collection method: clinical testing. Allele origin: germline.

Literature cited by the submitters: PubMed 9215679 (cited by Labcorp Genetics (formerly Invitae), Labcorp); PubMed 11857544 (cited by Labcorp Genetics (formerly Invitae), Labcorp); PubMed 20368792 (cited by Labcorp Genetics (formerly Invitae), Labcorp).